The following is an entry in ClinVar:

ClinVar aggregate classification (germline): Benign/Likely benign. Review status: criteria provided, multiple submitters, no conflicts (2 of 4 stars). 2 submissions from 2 submitters: Benign (1); Likely benign (1). Last evaluated 2025-10-01.

Allele frequency attached by ClinVar (database versions not stated): 1000 Genomes Project 0.00040; 1000 Genomes Project 30x 0.00047; TOPMed 0.00076; ESP Exome Variant Server 0.00131.
gnomAD v4.1: 1,351 of 1,614,096 alleles (0.084%); highest among the groups gnomAD compares: East Asian, 0.11%; 1 homozygote.

Submissions (2):

CeGaT Center for Human Genetics Tuebingen
Classification: Likely benign. Last evaluated: 2025-10-01. Review status: criteria provided, single submitter. Criteria: CeGaT Center For Human Genetics Tuebingen Variant Classification Criteria Version 2. Collection method: clinical testing. Allele origin: germline. Affected: yes. Observed: 3 variant alleles.
Comment: DCPS: BP4, BP7

Labcorp Genetics (formerly Invitae), Labcorp
Classification: Benign. Last evaluated: 2019-12-31. Review status: criteria provided, single submitter. Criteria: Invitae Variant Classification Sherloc (09022015). Collection method: clinical testing. Allele origin: germline.

NM_014026.6(DCPS):c.906C>T (p.Ile302=)

Genes: DCPS (decapping enzyme, scavenger; plus strand), GSEC (G-quadruplex forming sequence containing lncRNA; minus strand). Cytogenetic location: 11q24.2.
Variant type: single nucleotide variant.
Coding change: c.906C>T on transcript NM_014026.6 (MANE Select); coding-DNA position 906, C replaced by T.
Protein change: p.Ile302=; no amino-acid change (isoleucine 302 retained).
Molecular consequence: synonymous variant.
Genome position (GRCh38, 1-based): chr11:126,345,505, C>T. VCF-style: chr11-126345505-C-T. GRCh37 (hg19) VCF-style: chr11-126215400-C-T.
Other names: c.927C>T, p.Ile309= (NM_001350236.2).
Identifiers: ClinVar variation 733666 (VCV000733666.32), dbSNP rs148207687, ClinGen allele CA6355191.
Genomic context (GRCh38, chr11:126,345,505, plus strand): 5'-CCTGGGCTTCGAGGCCCCCGGCTCAGGCGTGGAGCGGGCCCACCTGCTGGCTGAGGTGAT[C>T]GAGAACTTGGAGTGTGACCCTAGGCACTACCAGCAGCGCACGCTCACCTTCGCCCTCAGG-3'
Protein context (NP_054745.1, residues 292-312): VERAHLLAEV[Ile302=]ENLECDPRHY